The following is an entry in ClinVar:

NM_000179.3(MSH6):c.3172G>C (p.Asp1058His)

Gene: MSH6 (mutS homolog 6; plus strand). Cytogenetic location: 2p16.3.
Variant type: single nucleotide variant.
Coding change: c.3172G>C on transcript NM_000179.3 (MANE Select); coding-DNA position 3172, G replaced by C.
Protein change: p.Asp1058His; replaces aspartic acid 1058 with histidine.
Molecular consequence: missense variant.
Genome position (GRCh38, 1-based): chr2:47,801,155, G>C. VCF-style: chr2-47801155-G-C. GRCh37 (hg19) VCF-style: chr2-48028294-G-C.
Other names: c.2782G>C, p.Asp928His (NM_001281492.2); c.2266G>C, p.Asp756His (NM_001281493.2, NM_001281494.2); short protein forms D1058H, D756H, D928H.
Identifiers: ClinVar variation 218057 (VCV000218057.17), dbSNP rs863225404, ClinGen allele CA279731.

ClinVar aggregate classification (germline): Likely pathogenic. Review status: reviewed by expert panel (3 of 4 stars). 6 submissions from 6 submitters: Likely pathogenic (1). 5 of the submissions do not count toward it. Last evaluated 2018-10-18.

Conditions:
Hereditary cancer-predisposing syndrome. Also called: Hereditary neoplastic syndrome; Tumor predisposition; Neoplastic Syndromes, Hereditary; Hereditary Cancer Syndrome. Identifiers: Orphanet 140162, MedGen C0027672, MeSH D009386, MONDO:0015356.
Hereditary nonpolyposis colorectal neoplasms. Identifiers: MedGen C0009405, MeSH D003123.
Lynch syndrome 5 (LYNCH5). Also called: Colorectal cancer, hereditary nonpolyposis, type 5; Hereditary non-polyposis colorectal cancer, type 5. Identifiers: Orphanet 144, MedGen C1833477, MONDO:0013710, OMIM 614350. Disease mechanism: loss of function.
Lynch syndrome. Identifiers: Orphanet 144, MedGen C4552100, MONDO:0005835. Disease mechanism: loss of function.
Carcinoma of colon (CRC). Also called: Colon carcinoma; Colonic carcinoma. Identifiers: MedGen C0699790, MONDO:0002032.

Allele frequency attached by ClinVar (database versions not stated): gnomAD exomes below 0.00001.
gnomAD v4.1: 1 of 1,609,058 alleles (0.000062%); highest among the groups gnomAD compares: Non-Finnish European, 0.000085%; no homozygotes.

Submissions (6):

International Society for Gastrointestinal Hereditary Tumours (InSiGHT)
Classification: Likely pathogenic for Lynch syndrome. Last evaluated: 2018-10-18. Review status: reviewed by expert panel. Criteria: Guidelines v2.4. Collection method: curation. Allele origin: germline. Affected: yes.
Comment: Multifactorial likelihood analysis posterior probability > 0.95 (0.953)

Ambry Genetics
Classification: Likely pathogenic for Hereditary cancer-predisposing syndrome. Last evaluated: 2024-08-01. Review status: criteria provided, single submitter. Criteria: Ambry Variant Classification Scheme 2023. Collection method: clinical testing. Allele origin: germline. Not counted in ClinVar's aggregate classification.
Comment: The p.D1058H variant (also known as c.3172G>C), located in coding exon 4 of the MSH6 gene, results from a G to C substitution at nucleotide position 3172. The aspartic asid at codon 1058 is replaced by histidine, an amino acid with similar properties. However, this change occurs in the last base pair of coding exon 4, which makes it likely to have some effect on normal mRNA splicing. In addition, p.D1058H has been identified in at least one individual whose endometrial tumor demonstrated high microsatellite instability and/or loss of MSH6 expression on immunohistochemistry (IHC) (Ambry internal data). This variant was not reported in population-based cohorts in the Genome Aggregation Database (gnomAD). This nucleotide position is highly conserved in available vertebrate species. In silico splice site analysis predicts that this alteration may weaken the native splice donor site. In addition, this amino acid position is highly conserved in available vertebrate species and, as a missense substitution, is predicted to be deleterious by in silico analysis. Based on the majority of available evidence to date, this variant is likely to be pathogenic.

Molecular Pathology, Peter Maccallum Cancer Centre
Classification: Likely pathogenic for Lynch syndrome 5. Last evaluated: 2024-04-17. Review status: criteria provided, single submitter. Criteria: ACMG Guidelines, 2015. Collection method: clinical testing. Allele origin: germline. Inheritance: Autosomal dominant inheritance. Not counted in ClinVar's aggregate classification.

Labcorp Genetics (formerly Invitae), Labcorp
Classification: Uncertain significance for Hereditary nonpolyposis colorectal neoplasms. Last evaluated: 2021-10-07. Review status: criteria provided, single submitter. Criteria: Invitae Variant Classification Sherloc (09022015). Collection method: clinical testing. Allele origin: germline. Not counted in ClinVar's aggregate classification.
Comment: This sequence change replaces aspartic acid with histidine at codon 1058 of the MSH6 protein (p.Asp1058His). The aspartic acid residue is highly conserved and there is a moderate physicochemical difference between aspartic acid and histidine. This variant also falls at the last nucleotide of exon 4, which is part of the consensus splice site for this exon. This variant is not present in population databases (ExAC no frequency). This variant has not been reported in the literature in individuals affected with MSH6-related conditions. ClinVar contains an entry for this variant (Variation ID: 218057). Algorithms developed to predict the effect of missense changes on protein structure and function (SIFT, PolyPhen-2, Align-GVGD) all suggest that this variant is likely to be disruptive. Variants that disrupt the consensus splice site are a relatively common cause of aberrant splicing (PMID: 17576681, 9536098). Algorithms developed to predict the effect of sequence changes on RNA splicing suggest that this variant may disrupt the consensus splice site. In summary, the available evidence is currently insufficient to determine the role of this variant in disease. Therefore, it has been classified as a Variant of Uncertain Significance.

Department of Pathology and Laboratory Medicine, Sinai Health System
Classification: Uncertain significance for Carcinoma of colon. Review status: no assertion criteria provided. Collection method: clinical testing. Allele origin: unknown. Affected: yes. Study: The Canadian Open Genetics Repository (COGR). Not counted in ClinVar's aggregate classification.
Comment: The p.Asp1058His variant was not identified in the literature nor was it identified in any of the following databases: dbSNP, HGMD, UMD, â€šÃ„ÃºMismatch Repair Genes Variant Databaseâ€šÃ„Ã¹, â€šÃ„ÃºInSiGHT Colon Cancer Databaseâ€šÃ„Ã¹, â€šÃ„ÃºMMR Gene Unclassified VariantsÂ¬â€ Databaseâ€šÃ„Ã¹, or COSMIC. The p.Asp1058 residue is conserved across mammals and lower organisms, and computational analyses (PolyPhen-2, SIFT, AlignGVGD, BLOSUM) suggest that the p.Asp1058His variant may impact the protein. However, this information is not predictive enough to assume pathogenicity. The variant occurs within the last three bases of the exon, a position that has been shown to be part of the splicing consensus sequence, and variants involving this position sometimes affect splicing. Four in silico or computational prediction software programs (SpliceSiteFinder, MaxEntScan, NNSPLICE, HumanSpliceFinder) predict a greater than 10% difference in splicing; however, this information is not predictive enough to assume pathogenicity. In summary, based on the above information, the clinical significance of this variant cannot be determined with certainty at this time although we would lean towards a more pathogenic role for this variant. This variant is classified as a variant of unknown significance.

Mayo Clinic Laboratories, Mayo Clinic
Classification: Uncertain significance. Review status: no assertion criteria provided. Collection method: research. Allele origin: unknown. Observed: 1 variant allele. Not counted in ClinVar's aggregate classification.

Literature cited by the submitters: PubMed 17576681 (cited by Labcorp Genetics (formerly Invitae), Labcorp); PubMed 9536098 (cited by Labcorp Genetics (formerly Invitae), Labcorp).